The following is an entry in ClinVar:

NM_000368.5(TSC1):c.1407A>G (p.Glu469=)

Gene: TSC1 (TSC complex subunit 1; minus strand). Cytogenetic location: 9q34.13.
Variant type: single nucleotide variant.
Coding change: c.1407A>G on transcript NM_000368.5 (MANE Select); coding-DNA position 1407, A replaced by G.
Protein change: p.Glu469=; no amino-acid change (glutamic acid 469 retained).
Molecular consequence: synonymous variant.
Genome position (GRCh38, 1-based): chr9:132,906,762, T>C on the plus strand (A>G on the coding strand, the complement: TSC1 is on the minus strand). VCF-style: chr9-132906762-T-C. GRCh37 (hg19) VCF-style: chr9-135782149-T-C.
Other names: c.1404A>G, p.Glu468= (NM_001162426.2); c.1254A>G, p.Glu418= (NM_001162427.2); c.1044A>G, p.Glu348= (NM_001362177.2).
Identifiers: ClinVar variation 797022 (VCV000797022.10), dbSNP rs1272855447, ClinGen allele CA467591656.

ClinVar aggregate classification (germline): Benign/Likely benign. Review status: criteria provided, multiple submitters, no conflicts (2 of 4 stars). 3 submissions from 3 submitters: Benign (1); Likely benign (2). Last evaluated 2025-05-13.

Conditions:
Hereditary cancer-predisposing syndrome. Also called: Neoplastic Syndromes, Hereditary; Hereditary Cancer Syndrome; Tumor predisposition; Hereditary neoplastic syndrome. Identifiers: Orphanet 140162, MedGen C0027672, MeSH D009386, MONDO:0015356.
Tuberous sclerosis 1 (TSC1). Identifiers: Orphanet 805, MedGen C1854465, MONDO:0008612, OMIM 191100.

Allele frequency attached by ClinVar (database versions not stated): gnomAD exomes below 0.00001; TOPMed below 0.00001.
gnomAD v4.1: 1 of 1,614,128 alleles (0.000062%); highest among the groups gnomAD compares: Admixed American, 0.0017%; no homozygotes.

Submissions (3):

Labcorp Genetics (formerly Invitae), Labcorp
Classification: Likely benign for Tuberous sclerosis 1. Last evaluated: 2025-05-13. Review status: criteria provided, single submitter. Criteria: Invitae Variant Classification Sherloc (09022015). Collection method: clinical testing. Allele origin: germline.

Myriad Genetics, Inc.
Classification: Benign for Tuberous sclerosis 1. Last evaluated: 2025-04-09. Review status: criteria provided, single submitter. Criteria: Myriad Autosomal Dominant, Autosomal Recessive and X-Linked Classification Criteria (2023). Collection method: clinical testing. Allele origin: unknown.
Comment: This variant is considered benign. This variant is a silent/synonymous amino acid change and it is not expected to impact splicing.

Ambry Genetics
Classification: Likely benign for Hereditary cancer-predisposing syndrome. Last evaluated: 2024-08-31. Review status: criteria provided, single submitter. Criteria: Ambry Variant Classification Scheme 2023. Collection method: clinical testing. Allele origin: germline.